The following is an entry in ClinVar:

ClinVar aggregate classification (germline): Conflicting classifications of pathogenicity. Review status: criteria provided, conflicting classifications (1 of 4 stars). 2 submissions from 2 submitters: Uncertain significance (1); Likely benign (1). Last evaluated 2025-03-07.

Conditions:
Hereditary cancer-predisposing syndrome. Also called: Tumor predisposition; Hereditary Cancer Syndrome; Hereditary neoplastic syndrome; Neoplastic Syndromes, Hereditary. Identifiers: Orphanet 140162, MedGen C0027672, MeSH D009386, MONDO:0015356.
POLD1-related polyposis and colorectal cancer syndrome (CRCS10). Also called: Colorectal cancer, susceptibility to, 10; Colorectal cancer 10; COLORECTAL CANCER, SUSCEPTIBILITY TO, ON CHROMOSOME 19q. Identifiers: Orphanet 220460, MedGen C2675481, MONDO:0012953, OMIM 612591.

gnomAD v4.1: 4 of 1,609,100 alleles (0.00025%); highest among the groups gnomAD compares: Non-Finnish European, 0.00034%; no homozygotes.

Submissions (2):

Ambry Genetics
Classification: Likely benign for Hereditary cancer-predisposing syndrome. Last evaluated: 2025-03-07. Review status: criteria provided, single submitter. Criteria: Ambry Variant Classification Scheme 2023. Collection method: clinical testing. Allele origin: germline.

Labcorp Genetics (formerly Invitae), Labcorp
Classification: Uncertain significance for POLD1-related polyposis and colorectal cancer syndrome. Last evaluated: 2024-03-06. Review status: criteria provided, single submitter. Criteria: Invitae Variant Classification Sherloc (09022015). Collection method: clinical testing. Allele origin: germline.
Comment: This sequence change replaces proline, which is neutral and non-polar, with threonine, which is neutral and polar, at codon 1101 of the POLD1 protein (p.Pro1101Thr). The frequency data for this variant in the population databases is considered unreliable, as metrics indicate poor data quality at this position in the gnomAD database. This variant has not been reported in the literature in individuals affected with POLD1-related conditions. ClinVar contains an entry for this variant (Variation ID: 1415217). An algorithm developed to predict the effect of missense changes on protein structure and function (PolyPhen-2) suggests that this variant is likely to be tolerated. In summary, the available evidence is currently insufficient to determine the role of this variant in disease. Therefore, it has been classified as a Variant of Uncertain Significance.

NM_002691.4(POLD1):c.3301C>A (p.Pro1101Thr)

Gene: POLD1 (DNA polymerase delta 1, catalytic subunit; plus strand). Cytogenetic location: 19q13.33.
Variant type: single nucleotide variant.
Coding change: c.3301C>A on transcript NM_002691.4 (MANE Select); coding-DNA position 3301, C replaced by A.
Protein change: p.Pro1101Thr; replaces proline 1101 with threonine.
Molecular consequence: missense variant. On other transcripts: non-coding transcript variant (1).
Genome position (GRCh38, 1-based): chr19:50,417,924, C>A. VCF-style: chr19-50417924-C-A. GRCh37 (hg19) VCF-style: chr19-50921181-C-A.
Other names: c.3301C>A, p.Pro1101Thr (NM_001256849.1); c.3379C>A, p.Pro1127Thr (NM_001308632.1); short protein forms P1101T, P1127T.
Identifiers: ClinVar variation 1415217 (VCV001415217.11), dbSNP rs142223599, ClinGen allele CA406987869.
Genomic context (GRCh38, chr19:50,417,924, plus strand): 5'-ATGCGCAAGAAGGTGCGGAAGGACCTGGAAGACCAGGAGCAGCTCCTGCGGCGCTTCGGA[C>A]CCCCTGGACCTGAGGCCTGGTGACCTTGCAAGCATCCCATGGGGCGGGGGCGGGACCAGG-3'
Protein context (NP_002682.2, residues 1091-1107): DQEQLLRRFG[Pro1101Thr]PGPEAW